The following is an entry in ClinVar:

NM_000038.6(APC):c.6980A>T (p.Asn2327Ile)

Gene: APC (APC regulator of Wnt signaling pathway; plus strand). Cytogenetic location: 5q22.2.
Variant type: single nucleotide variant.
Coding change: c.6980A>T on transcript NM_000038.6 (MANE Select); coding-DNA position 6980, A replaced by T.
Protein change: p.Asn2327Ile; replaces asparagine 2327 with isoleucine.
Molecular consequence: missense variant. On other transcripts: non-coding transcript variant (2).
Genome position (GRCh38, 1-based): chr5:112,842,574, A>T. VCF-style: chr5-112842574-A-T. GRCh37 (hg19) VCF-style: chr5-112178271-A-T.
Other names: c.6980A>T, p.Asn2327Ile (NM_001127510.3, NM_001354895.2, NM_001407450.1); c.6926A>T, p.Asn2309Ile (NM_001127511.3); c.7034A>T, p.Asn2345Ile (NM_001354896.2, NM_001407447.1, NM_001407448.1 and 1 more transcripts); c.7010A>T, p.Asn2337Ile (NM_001354897.2); c.6905A>T, p.Asn2302Ile (NM_001354898.2); c.6896A>T, p.Asn2299Ile (NM_001354899.2); c.6857A>T, p.Asn2286Ile (NM_001354900.2); c.6803A>T, p.Asn2268Ile (NM_001354901.2, NM_001407453.1); and 11 more; short protein forms N2299I, N2327I, N2044I, N2167I, N2286I, N2302I, N2309I, N2317I.
Identifiers: ClinVar variation 5024810 (VCV005024810.1).

ClinVar aggregate classification (germline): Uncertain significance (1 of 4 stars; one submission).

Conditions:
Hereditary cancer-predisposing syndrome. Also called: Neoplastic Syndromes, Hereditary; Tumor predisposition; Hereditary neoplastic syndrome; Hereditary Cancer Syndrome. Identifiers: Orphanet 140162, MedGen C0027672, MeSH D009386, MONDO:0015356.

Submission:

Ambry Genetics
Classification: Uncertain significance for Hereditary cancer-predisposing syndrome. Last evaluated: 2026-07-02. Review status: criteria provided, single submitter. Criteria: Ambry Variant Classification Scheme 2023. Collection method: clinical testing. Allele origin: germline.
Comment: The p.N2327I variant (also known as c.6980A>T), located in coding exon 15 of the APC gene, results from an A to T substitution at nucleotide position 6980. The asparagine at codon 2327 is replaced by isoleucine, an amino acid with dissimilar properties. This amino acid position is conserved. In addition, in silico predictors for this gene do not accurately predict pathogenicity. Based on the available evidence, the clinical significance of this variant remains unclear.